The following is an entry in ClinVar:

ClinVar aggregate classification (germline): Benign/Likely benign. Review status: criteria provided, multiple submitters, no conflicts (2 of 4 stars). 9 submissions from 9 submitters: Benign (4); Likely benign (3). 2 of the submissions do not count toward it. Last evaluated 2026-02-02.

Conditions:
Primary ciliary dyskinesia. Also called: Ciliary dyskinesia. Identifiers: Orphanet 244, MedGen C0008780, MONDO:0016575, HP:0012265.
Primary ciliary dyskinesia 9. Also called: CILIARY DYSKINESIA, PRIMARY, 9, WITH OR WITHOUT SITUS INVERSUS. Identifiers: Orphanet 244, MedGen C2676235, MONDO:0012906, OMIM 612444.

Allele frequency attached by ClinVar (database versions not stated): gnomAD exomes 0.00231; ExAC 0.00295; 1000 Genomes Project 30x 0.00593; 1000 Genomes Project 0.00619; gnomAD 0.00904; ESP Exome Variant Server 0.01030; TOPMed 0.01051.
gnomAD v4.1: 2,808 of 1,614,208 alleles (0.17%); highest among the groups gnomAD compares: African/African-American, 3.2%; 42 homozygotes.

Submissions (9):

Labcorp Genetics (formerly Invitae), Labcorp
Classification: Benign for Primary ciliary dyskinesia. Last evaluated: 2026-02-02. Review status: criteria provided, single submitter. Criteria: Invitae Variant Classification Sherloc (09022015). Collection method: clinical testing. Allele origin: germline.

GeneDx
Classification: Likely benign. Last evaluated: 2021-05-06. Review status: criteria provided, single submitter. Criteria: GeneDx Variant Classification Process June 2021. Collection method: clinical testing. Allele origin: germline. Affected: yes.
Comment: See Variant Classification Assertion Criteria.

Illumina Laboratory Services, Illumina
Classification: Likely benign for Primary ciliary dyskinesia 9. Last evaluated: 2018-01-13. Review status: criteria provided, single submitter. Criteria: ICSL Variant Classification Criteria 13 December 2019. Collection method: clinical testing. Allele origin: germline.
Comment: This variant was observed in the ICSL laboratory as part of a predisposition screen in an ostensibly healthy population. It had not been previously curated by ICSL or reported in the Human Gene Mutation Database (HGMD: prior to June 1st, 2018), and was therefore a candidate for classification through an automated scoring system. Utilizing variant allele frequency, disease prevalence and penetrance estimates, and inheritance mode, an automated score was calculated to assess if this variant is too frequent to cause the disease. Based on the score and internal cut-off values, a variant classified as likely benign is not then subjected to further curation. The score for this variant resulted in a classification of likely benign for this disease.

Ambry Genetics
Classification: Benign for Primary ciliary dyskinesia. Last evaluated: 2015-05-26. Review status: criteria provided, single submitter. Criteria: Ambry Variant Classification Scheme 2023. Collection method: clinical testing. Allele origin: germline.

Laboratory for Molecular Medicine, Mass General Brigham Personalized Medicine
Classification: Benign. Last evaluated: 2013-02-21. Review status: criteria provided, single submitter. Criteria: LMM Criteria. Collection method: clinical testing. Allele origin: germline. Observed: 1 variant allele.
Comment: Glu78Glu in exon 3 of DNAI2: This variant is not expected to have clinical signi ficance because it does not alter an amino acid residue and is not located withi n the splice consensus sequence. It has been identified in 3.0% (134/4406) of Af rican American chromosomes from a broad population by the NHLBI Exome Sequencing Project (dbSNP rs35985071).

Breakthrough Genomics
Classification: Likely benign. Review status: criteria provided, single submitter. Criteria: ACMG Guidelines, 2015. Collection method: not provided. Allele origin: germline. Inheritance: Autosomal recessive inheritance. Affected: yes.

PreventionGenetics, part of Exact Sciences
Classification: Benign. Review status: criteria provided, single submitter. Criteria: ACMG Guidelines, 2015. Collection method: clinical testing. Allele origin: germline.

Natera, Inc.
Classification: Likely benign for Primary ciliary dyskinesia. Last evaluated: 2019-12-04. Review status: no assertion criteria provided. Collection method: clinical testing. Allele origin: germline. Not counted in ClinVar's aggregate classification.

Counsyl
Classification: Likely benign for Primary ciliary dyskinesia 9. Last evaluated: 2017-03-06. Review status: no assertion criteria provided. Collection method: clinical testing. Allele origin: unknown. Not counted in ClinVar's aggregate classification.

NM_023036.6(DNAI2):c.234G>A (p.Glu78=)

Gene: DNAI2 (dynein axonemal intermediate chain 2; plus strand). Cytogenetic location: 17q25.1.
Variant type: single nucleotide variant.
Coding change: c.234G>A on transcript NM_023036.6 (MANE Select); coding-DNA position 234, G replaced by A.
Protein change: p.Glu78=; no amino-acid change (glutamic acid 78 retained).
Molecular consequence: synonymous variant. On other transcripts: non-coding transcript variant (1).
Genome position (GRCh38, 1-based): chr17:74,285,090, G>A. VCF-style: chr17-74285090-G-A. GRCh37 (hg19) VCF-style: chr17-72281229-G-A.
Other names: c.234G>A, p.Glu78= (NM_001172810.3, NM_001353167.2).
Identifiers: ClinVar variation 226611 (VCV000226611.28), dbSNP rs35985071, ClinGen allele CA8745300.